The following is an entry in ClinVar:

NM_000080.4(CHRNE):c.1251_1266dup (p.Cys423fs)

Gene: CHRNE (cholinergic receptor nicotinic epsilon subunit; minus strand). Cytogenetic location: 17p13.2.
Variant type: Duplication.
Coding change: c.1251_1266dup on transcript NM_000080.4 (MANE Select); coding-DNA positions 1251 to 1266, 16 bases duplicated (CCCCGAGGTCCGCTGC).
Protein change: p.Cys423fs; shifts the reading frame from cysteine 423.
Molecular consequence: frameshift variant.
Genome position (GRCh38, 1-based): chr17:4,899,061-4,899,076, GCAGCGGACCTCGGGG duplicated on the plus strand (CCCCGAGGTCCGCTGC on the coding strand, the reverse complement: CHRNE is on the minus strand); duplicating any 16 consecutive bases within chr17:4,899,061-4,899,078 gives the same sequence; the c. name uses the placement nearest the transcript's 3' end. VCF-style (leftmost placement, unchanged base first): chr17-4899060-A-AGCAGCGGACCTCGGGG. GRCh37 (hg19) VCF-style: chr17-4802355-A-AGCAGCGGACCTCGGGG.
Other names: c.1251_1266dupCCCCGAGGTCCGCTGC (NM_000080.3); short protein forms C423fs.
Identifiers: ClinVar variation 2680807 (VCV002680807.6), dbSNP rs748694848, ClinGen allele CA8313912.

ClinVar aggregate classification (germline): Pathogenic/Likely pathogenic. Review status: criteria provided, multiple submitters, no conflicts (2 of 4 stars). 4 submissions from 4 submitters: Pathogenic (3); Likely pathogenic (1). Last evaluated 2026-08-21.

Conditions:
Congenital myasthenic syndrome (CMS). Also called: Congenital Myasthenic Syndromes. Identifiers: Orphanet 590, MedGen C0751882, MeSH D020294, MONDO:0018940.
Congenital myasthenic syndrome 4A. Also called: CONGENITAL MYASTHENIC SYNDROME TYPE Ia1; Myasthenic syndrome, congenital, 4a, slow-channel; MYASTHENIC SYNDROME, CONGENITAL, 4A, SLOW-CHANNEL, AUTOSOMAL RECESSIVE. Identifiers: Orphanet 590, MedGen C4225413, MONDO:0011600, OMIM 605809.

Submissions (4):

Myriad Genetics, Inc.
Classification: Pathogenic for Congenital myasthenic syndrome. Last evaluated: 2026-08-21. Review status: criteria provided, single submitter. Criteria: Myriad Autosomal Dominant, Autosomal Recessive and X-Linked Classification Criteria (2023). Collection method: clinical testing. Allele origin: unknown.
Comment: NM_000080.3(CHRNE):c.1251_1266dup16(C423Pfs*38) is a frameshift variant classified as pathogenic in the context of congenital myasthenic syndrome, CHRNE-related. C423Pfs*38 has been observed in a case with relevant disease (PMID: 32337335). Relevant functional assessments of this variant are not available in the literature. C423Pfs*38 has been observed in referenced population frequency databases. In summary, NM_000080.3(CHRNE):c.1251_1266dup16(C423Pfs*38) is a frameshift variant in a gene where loss of function is a known mechanism of disease, is predicted to disrupt protein function, and has been observed more frequently in cases with the relevant disease than in healthy populations. Please note: this variant was assessed in the context of healthy population screening.

Natera, Inc.
Classification: Likely pathogenic for Congenital myasthenic syndrome. Last evaluated: 2025-03-03. Review status: criteria provided, single submitter. Criteria: Natera Variant Classification Schema (03/2026). Collection method: clinical testing. Allele origin: germline.
Comment: The c.1251_1266dupCCCCGAGGTCCGCTGC variant in CHRNE is a frameshift variant predicted to shift the reading frame beginning at codon 423 and leads to a stop codon 38 codons downstream. This variant is expected to result in nonsense mediated decay, truncation, or a dysfunctional protein product. This variant is rare in the general population with a frequency below the threshold expected for the associated phenotype(s). Given the available evidence, this variant is classified as Likely Pathogenic.

Labcorp Genetics (formerly Invitae), Labcorp
Classification: Pathogenic for Congenital myasthenic syndrome 4A. Last evaluated: 2023-10-18. Review status: criteria provided, single submitter. Criteria: Invitae Variant Classification Sherloc (09022015). Collection method: clinical testing. Allele origin: germline.
Comment: This sequence change creates a premature translational stop signal (p.Cys423Profs*38) in the CHRNE gene. While this is not anticipated to result in nonsense mediated decay, it is expected to disrupt the last 71 amino acid(s) of the CHRNE protein. This variant is present in population databases (rs748694848, gnomAD 0.01%). This variant has not been reported in the literature in individuals affected with CHRNE-related conditions. This variant disrupts a region of the CHRNE protein in which other variant(s) (p.Asn452Glufs*4) have been determined to be pathogenic (PMID: 8957026, 15951177, 19064877, 21175599, 28024842, 29054425). This suggests that this is a clinically significant region of the protein, and that variants that disrupt it are likely to be disease-causing. For these reasons, this variant has been classified as Pathogenic.

Baylor Genetics
Classification: Pathogenic for Congenital myasthenic syndrome 4A. Last evaluated: 2022-06-06. Review status: criteria provided, single submitter. Criteria: ACMG Guidelines, 2015. Collection method: clinical testing. Allele origin: unknown.

Literature cited by the submitters: PubMed 32337335 (cited by Myriad Genetics, Inc.); PubMed 8957026 (cited by Labcorp Genetics (formerly Invitae), Labcorp); PubMed 15951177 (cited by Labcorp Genetics (formerly Invitae), Labcorp); PubMed 19064877 (cited by Labcorp Genetics (formerly Invitae), Labcorp); PubMed 21175599 (cited by Labcorp Genetics (formerly Invitae), Labcorp); PubMed 28024842 (cited by Labcorp Genetics (formerly Invitae), Labcorp); PubMed 29054425 (cited by Labcorp Genetics (formerly Invitae), Labcorp).